The following is an entry in ClinVar:

ClinVar aggregate classification (germline): Uncertain significance. Review status: criteria provided, multiple submitters, no conflicts (2 of 4 stars). 2 submissions from 2 submitters: Uncertain significance (2). Last evaluated 2025-11-05.

Allele frequency attached by ClinVar (database versions not stated): gnomAD exomes 0.00001; ExAC 0.00003; TOPMed 0.00009; gnomAD 0.00010.
gnomAD v4.1: 26 of 1,576,530 alleles (0.0016%); highest among the groups gnomAD compares: African/African-American, 0.032%; no homozygotes.

Submissions (2):

Ambry Genetics
Classification: Uncertain significance. Last evaluated: 2025-11-05. Review status: criteria provided, single submitter. Criteria: Ambry Variant Classification Scheme 2023. Collection method: clinical testing. Allele origin: germline.

Labcorp Genetics (formerly Invitae), Labcorp
Classification: Uncertain significance. Last evaluated: 2024-07-30. Review status: criteria provided, single submitter. Criteria: Invitae Variant Classification Sherloc (09022015). Collection method: clinical testing. Allele origin: germline.
Comment: This sequence change replaces isoleucine, which is neutral and non-polar, with serine, which is neutral and polar, at codon 955 of the DSCAML1 protein (p.Ile955Ser). This variant is present in population databases (rs143470465, gnomAD 0.04%). This variant has not been reported in the literature in individuals affected with DSCAML1-related conditions. An algorithm developed to predict the effect of missense changes on protein structure and function (PolyPhen-2) suggests that this variant is likely to be disruptive. In summary, the available evidence is currently insufficient to determine the role of this variant in disease. Therefore, it has been classified as a Variant of Uncertain Significance.

NM_020693.4(DSCAML1):c.2684T>G (p.Ile895Ser)

Gene: DSCAML1 (DS cell adhesion molecule like 1; minus strand). Cytogenetic location: 11q23.3.
Variant type: single nucleotide variant.
Coding change: c.2684T>G on transcript NM_020693.4 (MANE Select); coding-DNA position 2684, T replaced by G.
Protein change: p.Ile895Ser; replaces isoleucine 895 with serine.
Molecular consequence: missense variant.
Genome position (GRCh38, 1-based): chr11:117,480,544, A>C on the plus strand (T>G on the coding strand, the complement: DSCAML1 is on the minus strand). VCF-style: chr11-117480544-A-C. GRCh37 (hg19) VCF-style: chr11-117351259-A-C.
Other names: c.2684T>G, p.Ile895Ser (NM_001367904.1); c.2864T>G (NM_020693.2); short protein forms I895S.
Identifiers: ClinVar variation 2908818 (VCV002908818.4), dbSNP rs143470465, ClinGen allele CA6296911.